The following is an entry in ClinVar:

ClinVar aggregate classification (germline): Uncertain significance. Review status: criteria provided, multiple submitters, no conflicts (2 of 4 stars). 2 submissions from 2 submitters: Uncertain significance (2). Last evaluated 2022-03-27.

Allele frequency attached by ClinVar (database versions not stated): TOPMed 0.00001.

Submissions (2):

Blueprint Genetics
Classification: Uncertain significance. Last evaluated: 2022-03-27. Review status: criteria provided, single submitter. Criteria: ACMG Guidelines, 2015. Collection method: clinical testing. Allele origin: germline.

Labcorp Genetics (formerly Invitae), Labcorp
Classification: Uncertain significance. Last evaluated: 2022-01-11. Review status: criteria provided, single submitter. Criteria: Invitae Variant Classification Sherloc (09022015). Collection method: clinical testing. Allele origin: germline.
Comment: In summary, the available evidence is currently insufficient to determine the role of this variant in disease. Therefore, it has been classified as a Variant of Uncertain Significance. Algorithms developed to predict the effect of missense changes on protein structure and function are either unavailable or do not agree on the potential impact of this missense change (SIFT: "Deleterious"; PolyPhen-2: "Possibly Damaging"; Align-GVGD: "Class C0"). ClinVar contains an entry for this variant (Variation ID: 1010626). This variant has not been reported in the literature in individuals affected with NYX-related conditions. This variant is not present in population databases (gnomAD no frequency). This sequence change replaces serine, which is neutral and polar, with arginine, which is basic and polar, at codon 411 of the NYX protein (p.Ser411Arg).

NM_001378477.3(NYX):c.1218C>G (p.Ser406Arg)

Gene: NYX (nyctalopin; plus strand). Cytogenetic location: Xp11.4.
Variant type: single nucleotide variant.
Coding change: c.1218C>G on transcript NM_001378477.3 (MANE Select); coding-DNA position 1218, C replaced by G.
Protein change: p.Ser406Arg; replaces serine 406 with arginine.
Molecular consequence: missense variant.
Genome position (GRCh38, 1-based): chrX:41,474,686, C>G. VCF-style: chrX-41474686-C-G. GRCh37 (hg19) VCF-style: chrX-41333939-C-G.
Other names: c.1218C>G, p.Ser406Arg (NM_022567.3); short protein forms S406R.
Identifiers: ClinVar variation 1010626 (VCV001010626.9), dbSNP rs1245203087, ClinGen allele CA412993154.
Genomic context (GRCh38, chrX:41,474,686, plus strand): 5'-GCTGAACCTCACCACGTCCAGTCCAGGCCCGTCCCCAGAACCAGCGGCCACCACCGTGAG[C>G]AGGTTCAGCAGCCTCCTCTCCAAGCTGCTGGCCCCGAGGGTCCCGGTGGAGGAGGCGGCC-3'
Protein context (NP_001365406.2, residues 396-416): PSPEPAATTV[Ser406Arg]RFSSLLSKLL